The following is an entry in ClinVar:

NM_001042492.3(NF1):c.7389del (p.Thr2464fs)

Gene: NF1 (neurofibromin 1; plus strand). Cytogenetic location: 17q11.2.
Variant type: Deletion.
Coding change: c.7389del on transcript NM_001042492.3 (MANE Select); coding-DNA position 7389, one base deleted (T; older notation c.7389delT).
Protein change: p.Thr2464fs; shifts the reading frame from threonine 2464.
Molecular consequence: frameshift variant.
Genome position (GRCh38, 1-based): chr17:31,350,250, T deleted; the last of 2 consecutive T bases (chr17:31,350,249-31,350,250); deleting either gives the same sequence. VCF-style (leftmost placement, unchanged base first): chr17-31350248-CT-C. GRCh37 (hg19) VCF-style: chr17-29677266-CT-C.
Other names: c.7326delT (NM_000267.3); c.7326delT, p.Thr2443Leufs (NM_000267.4); short protein forms T2443fs, T2464fs.
Identifiers: ClinVar variation 2092790 (VCV002092790.5), dbSNP rs2508805690, ClinGen allele CA2580093376.

ClinVar aggregate classification (germline): Pathogenic. Review status: criteria provided, multiple submitters, no conflicts (2 of 4 stars). 2 submissions from 2 submitters: Pathogenic (2). Last evaluated 2023-11-20.

Conditions:
Hereditary cancer-predisposing syndrome. Also called: Tumor predisposition; Neoplastic Syndromes, Hereditary; Hereditary neoplastic syndrome; Hereditary Cancer Syndrome. Identifiers: Orphanet 140162, MedGen C0027672, MeSH D009386, MONDO:0015356.
Cardiovascular phenotype. Identifiers: MedGen CN230736.
Neurofibromatosis, type 1 (NF1). Also called: NEUROFIBROMATOSIS, TYPE I, SOMATIC; Neurofibromatosis, type I; Peripheral type neurofibromatosis; VON RECKLINGHAUSEN DISEASE. Identifiers: Orphanet 636, MedGen C0027831, MONDO:0018975, OMIM 162200. Disease mechanism: loss of function.

Submissions (2):

Ambry Genetics
Classification: Pathogenic for Cardiovascular phenotype; Hereditary cancer-predisposing syndrome. Last evaluated: 2023-11-20. Review status: criteria provided, single submitter. Criteria: Ambry Variant Classification Scheme 2023. Collection method: clinical testing. Allele origin: germline.
Comment: The c.7326delT pathogenic mutation, located in coding exon 49 of the NF1 gene, results from a deletion of one nucleotide at nucleotide position 7326, causing a translational frameshift with a predicted alternate stop codon (p.T2443Lfs*25). This variant is considered to be rare based on population cohorts in the Genome Aggregation Database (gnomAD). This alteration is expected to result in loss of function by premature protein truncation or nonsense-mediated mRNA decay. As such, this alteration is interpreted as a disease-causing mutation.

Labcorp Genetics (formerly Invitae), Labcorp
Classification: Pathogenic for Neurofibromatosis, type 1. Last evaluated: 2022-02-04. Review status: criteria provided, single submitter. Criteria: Invitae Variant Classification Sherloc (09022015). Collection method: clinical testing. Allele origin: germline.
Comment: This variant is not present in population databases (gnomAD no frequency). This sequence change creates a premature translational stop signal (p.Thr2443Leufs*25) in the NF1 gene. It is expected to result in an absent or disrupted protein product. Loss-of-function variants in NF1 are known to be pathogenic (PMID: 10712197, 23913538). For these reasons, this variant has been classified as Pathogenic. This variant has not been reported in the literature in individuals affected with NF1-related conditions.

Literature cited by the submitters: PubMed 10712197 (cited by Labcorp Genetics (formerly Invitae), Labcorp); PubMed 23913538 (cited by Labcorp Genetics (formerly Invitae), Labcorp).